The following is an entry in ClinVar:

ClinVar aggregate classification (germline): Benign. Review status: criteria provided, multiple submitters, no conflicts (2 of 4 stars). 3 submissions from 3 submitters: Benign (2). 1 of the submissions does not count toward it. Last evaluated 2024-08-15.

Conditions:
TAF15-related disorder. Also called: TAF15-related condition.

Allele frequency attached by ClinVar (database versions not stated): gnomAD exomes 0.00047 and 0.00087; ESP Exome Variant Server 0.00054; ExAC 0.00045; gnomAD 0.00056 and 0.00054; TOPMed 0.00052.
gnomAD v4.1: 1,328 of 1,614,038 alleles (0.082%); highest among the groups gnomAD compares: Non-Finnish European, 0.11%; 1 homozygote.

Submissions (3):

Mayo Clinic Laboratories, Mayo Clinic
Classification: Benign. Last evaluated: 2024-08-15. Review status: criteria provided, single submitter. Criteria: ACMG Guidelines, 2015. Collection method: clinical testing. Allele origin: germline. Observed: 3 variant alleles.
Comment: BS1, BS2

GeneDx
Classification: Benign. Last evaluated: 2021-01-25. Review status: criteria provided, single submitter. Criteria: GeneDx Variant Classification Process June 2021. Collection method: clinical testing. Allele origin: germline. Affected: yes.
Comment: This variant is associated with the following publications: (PMID: 25174650)

PreventionGenetics, part of Exact Sciences
Classification: Likely benign for TAF15-related condition. Last evaluated: 2022-08-01. Review status: no assertion criteria provided. Collection method: clinical testing. Allele origin: germline. Not counted in ClinVar's aggregate classification.
Comment: This variant is classified as likely benign based on ACMG/AMP sequence variant interpretation guidelines (Richards et al. 2015 PMID: 25741868, with internal and published modifications).

Literature cited by the submitters: PubMed 21438137 (cited by Mayo Clinic Laboratories, Mayo Clinic); PubMed 25174650 (cited by Mayo Clinic Laboratories, Mayo Clinic); PubMed 25299611 (cited by Mayo Clinic Laboratories, Mayo Clinic); PubMed 25382069 (cited by Mayo Clinic Laboratories, Mayo Clinic); PubMed 31325016 (cited by Mayo Clinic Laboratories, Mayo Clinic).

NM_139215.3(TAF15):c.1163G>A (p.Arg388His)

Gene: TAF15 (TATA-box binding protein associated factor 15; plus strand). Cytogenetic location: 17q12.
Variant type: single nucleotide variant.
Coding change: c.1163G>A on transcript NM_139215.3 (MANE Select); coding-DNA position 1163, G replaced by A.
Protein change: p.Arg388His; replaces arginine 388 with histidine.
Molecular consequence: missense variant.
Genome position (GRCh38, 1-based): chr17:35,844,354, G>A. VCF-style: chr17-35844354-G-A. GRCh37 (hg19) VCF-style: chr17-34171358-G-A.
Other names: p.Arg388His; c.1154G>A, p.Arg385His (NM_003487.4); short protein forms R385H, R388H.
Identifiers: ClinVar variation 1231980 (VCV001231980.6), dbSNP rs140268553, ClinGen allele CA290040970.